The following is an entry in ClinVar:

ClinVar aggregate classification (germline): Uncertain significance. Review status: criteria provided, multiple submitters, no conflicts (2 of 4 stars). 2 submissions from 2 submitters: Uncertain significance (2). Last evaluated 2026-09-22.

Conditions:
LMX1A-related disorder. Also called: LMX1A-related condition.

Allele frequency attached by ClinVar (database versions not stated): ExAC 0.00002; ESP Exome Variant Server 0.00008; gnomAD 0.00012; TOPMed 0.00012.
gnomAD v4.1: 33 of 1,613,836 alleles (0.002%); highest among the groups gnomAD compares: African/African-American, 0.036%; no homozygotes.

Submissions (2):

PreventionGenetics, part of Exact Sciences
Classification: Uncertain significance for LMX1A-related condition. Last evaluated: 2026-09-22. Review status: criteria provided, single submitter. Criteria: ACMG Guidelines, 2015. Collection method: clinical testing. Allele origin: germline.
Comment: The LMX1A c.898C>A variant is predicted to result in the amino acid substitution p.Leu300Met. To our knowledge, this variant has not been reported in the literature. This variant is reported in 0.032% of alleles in individuals of African descent in gnomAD. Although we suspect that this variant may be benign, at this time, the clinical significance of this variant is uncertain due to the absence of conclusive functional and genetic evidence.

Ambry Genetics
Classification: Uncertain significance. Last evaluated: 2021-08-02. Review status: criteria provided, single submitter. Criteria: Ambry Variant Classification Scheme 2023. Collection method: clinical testing. Allele origin: germline.

NM_177398.4(LMX1A):c.898C>A (p.Leu300Met)

Genes: LMX1A (LIM homeobox transcription factor 1 alpha; minus strand), LMX1A-AS2 (LMX1A antisense RNA 2; plus strand). Cytogenetic location: 1q23.3.
Variant type: single nucleotide variant.
Coding change: c.898C>A on transcript NM_177398.4 (MANE Select); coding-DNA position 898, C replaced by A.
Protein change: p.Leu300Met; replaces leucine 300 with methionine.
Molecular consequence: missense variant.
Genome position (GRCh38, 1-based): chr1:165,205,954, G>T on the plus strand (C>A on the coding strand, the complement: LMX1A is on the minus strand). VCF-style: chr1-165205954-G-T. GRCh37 (hg19) VCF-style: chr1-165175191-G-T.
Other names: c.898C>A, p.Leu300Met (NM_001174069.2); c.898C>A (NM_001174069.1); short protein forms L300M.
Identifiers: ClinVar variation 2213477 (VCV002213477.3), dbSNP rs377473482, ClinGen allele CA1219667.